The following is an entry in ClinVar:

NM_001164508.2(NEB):c.16739G>T (p.Gly5580Val)

Gene: NEB (nebulin; minus strand). Cytogenetic location: 2q23.3.
Variant type: single nucleotide variant.
Coding change: c.16739G>T on transcript NM_001164508.2 (MANE Select); coding-DNA position 16739, G replaced by T.
Protein change: p.Gly5580Val; replaces glycine 5580 with valine.
Molecular consequence: missense variant.
Genome position (GRCh38, 1-based): chr2:151,576,320, C>A on the plus strand (G>T on the coding strand, the complement: NEB is on the minus strand). VCF-style: chr2-151576320-C-A. GRCh37 (hg19) VCF-style: chr2-152432834-C-A.
Other names: c.16739G>T, p.Gly5580Val (NM_001271208.2, NM_001164507.2); c.11636G>T, p.Gly3879Val (NM_004543.5); short protein forms G5580V, G3879V.
Identifiers: ClinVar variation 3681071 (VCV003681071.2).

ClinVar aggregate classification (germline): Uncertain significance (1 of 4 stars; one submission).

Conditions:
Nemaline myopathy 2 (NEM2). Also called: Nemaline myopathy 2, autosomal recessive. Identifiers: MedGen C1850569, MONDO:0009725, OMIM 256030.

Submission:

Labcorp Genetics (formerly Invitae), Labcorp
Classification: Uncertain significance for Nemaline myopathy 2. Last evaluated: 2025-01-28. Review status: criteria provided, single submitter. Criteria: Invitae Variant Classification Sherloc (09022015). Collection method: clinical testing. Allele origin: germline.
Comment: This sequence change replaces glycine, which is neutral and non-polar, with valine, which is neutral and non-polar, at codon 5580 of the NEB protein (p.Gly5580Val). This variant is not present in population databases (gnomAD no frequency). This variant has not been reported in the literature in individuals affected with NEB-related conditions. Experimental studies and prediction algorithms are not available or were not evaluated, and the functional significance of this variant is currently unknown. In summary, the available evidence is currently insufficient to determine the role of this variant in disease. Therefore, it has been classified as a Variant of Uncertain Significance.